The following is an entry in ClinVar:

NM_000455.5(STK11):c.967C>G (p.Pro323Ala)

Gene: STK11 (serine/threonine kinase 11; plus strand). Cytogenetic location: 19p13.3.
Variant type: single nucleotide variant.
Coding change: c.967C>G on transcript NM_000455.5 (MANE Select); coding-DNA position 967, C replaced by G.
Protein change: p.Pro323Ala; replaces proline 323 with alanine.
Molecular consequence: missense variant.
Genome position (GRCh38, 1-based): chr19:1,223,031, C>G. VCF-style: chr19-1223031-C-G. GRCh37 (hg19) VCF-style: chr19-1223030-C-G.
Other names: short protein forms P323A.
Identifiers: ClinVar variation 864079 (VCV000864079.9), dbSNP rs1599929342, ClinGen allele CA402951568.

ClinVar aggregate classification (germline): Uncertain significance (1 of 4 stars; one submission).

Conditions:
Peutz-Jeghers syndrome (PJS). Also called: POLYPOSIS, HAMARTOMATOUS INTESTINAL; POLYPS-AND-SPOTS SYNDROME; Peutz-Jeghers polyposis; Periorificial lentiginosis syndrome. Identifiers: Orphanet 2869, MedGen C0031269, MeSH D010580, MONDO:0008280, OMIM 175200.

Submission:

Labcorp Genetics (formerly Invitae), Labcorp
Classification: Uncertain significance for Peutz-Jeghers syndrome. Last evaluated: 2024-07-08. Review status: criteria provided, single submitter. Criteria: Invitae Variant Classification Sherloc (09022015). Collection method: clinical testing. Allele origin: germline.
Comment: This sequence change replaces proline, which is neutral and non-polar, with alanine, which is neutral and non-polar, at codon 323 of the STK11 protein (p.Pro323Ala). This variant is not present in population databases (gnomAD no frequency). This variant has not been reported in the literature in individuals affected with STK11-related conditions. ClinVar contains an entry for this variant (Variation ID: 864079). Advanced modeling of protein sequence and biophysical properties (such as structural, functional, and spatial information, amino acid conservation, physicochemical variation, residue mobility, and thermodynamic stability) performed at Invitae indicates that this missense variant is expected to disrupt STK11 protein function with a positive predictive value of 95%. In summary, the available evidence is currently insufficient to determine the role of this variant in disease. Therefore, it has been classified as a Variant of Uncertain Significance.